The following is an entry in ClinVar:

ClinVar aggregate classification (germline): Uncertain significance (1 of 4 stars; one submission).

Conditions:
Hereditary cancer-predisposing syndrome. Also called: Neoplastic Syndromes, Hereditary; Tumor predisposition; Hereditary Cancer Syndrome; Hereditary neoplastic syndrome. Identifiers: Orphanet 140162, MedGen C0027672, MeSH D009386, MONDO:0015356.

Submission:

Ambry Genetics
Classification: Uncertain significance for Hereditary cancer-predisposing syndrome. Last evaluated: 2025-11-03. Review status: criteria provided, single submitter. Criteria: Ambry Variant Classification Scheme 2023. Collection method: clinical testing. Allele origin: germline.
Comment: The p.N46T variant (also known as c.137A>C), located in coding exon 2 of the BMPR1A gene, results from an A to C substitution at nucleotide position 137. The asparagine at codon 46 is replaced by threonine, an amino acid with similar properties. This amino acid position is conserved. In addition, this alteration is predicted to be tolerated by in silico analysis. Based on the available evidence, the clinical significance of this variant remains unclear.

NM_004329.3(BMPR1A):c.137A>C (p.Asn46Thr)

Gene: BMPR1A (bone morphogenetic protein receptor type 1A; plus strand). Cytogenetic location: 10q23.2.
Variant type: single nucleotide variant.
Coding change: c.137A>C on transcript NM_004329.3 (MANE Select); coding-DNA position 137, A replaced by C.
Protein change: p.Asn46Thr; replaces asparagine 46 with threonine.
Molecular consequence: missense variant. On other transcripts: non-coding transcript variant (3).
Genome position (GRCh38, 1-based): chr10:86,890,131, A>C. VCF-style: chr10-86890131-A-C. GRCh37 (hg19) VCF-style: chr10-88649888-A-C.
Other names: c.137A>C, p.Asn46Thr (NM_001406559.1, NM_001406560.1, NM_001406561.1 and 23 more transcripts); c.53A>C, p.Asn18Thr (NM_001406584.1, NM_001406585.1, NM_001406586.1 and 2 more transcripts); short protein forms N46T, N18T.
Identifiers: ClinVar variation 4623416 (VCV004623416.1).